The following is an entry in ClinVar:

NM_006080.3(SEMA3A):c.553G>A (p.Glu185Lys)

Gene: SEMA3A (semaphorin 3A; minus strand). Cytogenetic location: 7q21.11.
Variant type: single nucleotide variant.
Coding change: c.553G>A on transcript NM_006080.3 (MANE Select); coding-DNA position 553, G replaced by A.
Protein change: p.Glu185Lys; replaces glutamic acid 185 with lysine.
Molecular consequence: missense variant.
Genome position (GRCh38, 1-based): chr7:84,046,438, C>T on the plus strand (G>A on the coding strand, the complement: SEMA3A is on the minus strand). VCF-style: chr7-84046438-C-T. GRCh37 (hg19) VCF-style: chr7-83675754-C-T.
Other names: short protein forms E185K.
Identifiers: ClinVar variation 4990472 (VCV004990472.1).

ClinVar aggregate classification (germline): Uncertain significance (1 of 4 stars; one submission).

Conditions:
SEMA3A-related disorder. Also called: SEMA3A-related condition.

gnomAD v4.1: 1 of 1,612,918 alleles (0.000062%); highest among the groups gnomAD compares: South Asian, 0.0011%; no homozygotes.

Submission:

PreventionGenetics, part of Exact Sciences
Classification: Uncertain significance for SEMA3A-related condition. Last evaluated: 2025-03-06. Review status: criteria provided, single submitter. Criteria: ACMG Guidelines, 2015. Collection method: clinical testing. Allele origin: germline.
Comment: The SEMA3A c.553G>A variant is predicted to result in the amino acid substitution p.Glu185Lys. To our knowledge, this variant has not been reported in the literature or in a large population database, indicating this variant is rare. At this time, the clinical significance of this variant is uncertain due to the absence of conclusive functional and genetic evidence.